The following is an entry in ClinVar:

NM_015450.3(POT1):c.406T>G (p.Leu136Val)

Gene: POT1 (protection of telomeres 1; minus strand). Cytogenetic location: 7q31.33.
Variant type: single nucleotide variant.
Coding change: c.406T>G on transcript NM_015450.3 (MANE Select); coding-DNA position 406, T replaced by G.
Protein change: p.Leu136Val; replaces leucine 136 with valine.
Molecular consequence: missense variant. On other transcripts: non-coding transcript variant (3).
Genome position (GRCh38, 1-based): chr7:124,863,490, A>C on the plus strand (T>G on the coding strand, the complement: POT1 is on the minus strand). VCF-style: chr7-124863490-A-C. GRCh37 (hg19) VCF-style: chr7-124503544-A-C.
Other names: c.13T>G, p.Leu5Val (NM_001042594.2); short protein forms L5V, L136V.
Identifiers: ClinVar variation 2820193 (VCV002820193.3), dbSNP rs2485480413, ClinGen allele CA369059520.

ClinVar aggregate classification (germline): Uncertain significance (1 of 4 stars; one submission).

Conditions:
Tumor predisposition syndrome 3 (TPDS3). Also called: Melanoma, cutaneous malignant, susceptibility to, 10; LONG TELOMERE SYNDROME, POT1-RELATED; POT1 Tumor Predisposition; Glioma susceptibility 9. Identifiers: Orphanet 618, MedGen C4014476, MONDO:0014368, OMIM 615848.

Submission:

Labcorp Genetics (formerly Invitae), Labcorp
Classification: Uncertain significance for Tumor predisposition syndrome 3. Last evaluated: 2022-12-11. Review status: criteria provided, single submitter. Criteria: Invitae Variant Classification Sherloc (09022015). Collection method: clinical testing. Allele origin: germline.
Comment: This variant is not present in population databases (gnomAD no frequency). This sequence change replaces leucine, which is neutral and non-polar, with valine, which is neutral and non-polar, at codon 136 of the POT1 protein (p.Leu136Val). This variant has not been reported in the literature in individuals affected with POT1-related conditions. Advanced modeling of protein sequence and biophysical properties (such as structural, functional, and spatial information, amino acid conservation, physicochemical variation, residue mobility, and thermodynamic stability) performed at Invitae indicates that this missense variant is not expected to disrupt POT1 protein function. In summary, the available evidence is currently insufficient to determine the role of this variant in disease. Therefore, it has been classified as a Variant of Uncertain Significance.